The following is an entry in ClinVar:

NM_153240.5(NPHP3):c.767C>T (p.Pro256Leu)

Genes: NPHP3 (nephrocystin 3; minus strand), NPHP3-ACAD11 (NPHP3-ACAD11 readthrough (NMD candidate); minus strand). Cytogenetic location: 3q22.1.
Variant type: single nucleotide variant.
Coding change: c.767C>T on transcript NM_153240.5 (MANE Select); coding-DNA position 767, C replaced by T.
Protein change: p.Pro256Leu; replaces proline 256 with leucine.
Molecular consequence: missense variant. On other transcripts: non-coding transcript variant (1).
Genome position (GRCh38, 1-based): chr3:132,716,813, G>A on the plus strand (C>T on the coding strand, the complement: NPHP3 is on the minus strand). VCF-style: chr3-132716813-G-A. GRCh37 (hg19) VCF-style: chr3-132435657-G-A.
Other names: short protein forms P256L.
Identifiers: ClinVar variation 849894 (VCV000849894.8), dbSNP rs374171796, ClinGen allele CA2622503.
Genomic context (GRCh38, chr3:132,716,813, plus strand): 5'-TTACCTCTATTAACATTTGCAAAGGGTCCTTCCACATCTATAGAACTATGGGCAAACTCA[G>A]GGCCTCTGAAGGACTGCTGAAGCTGGATCATGCTTCCTATGGAAGGTTCACTTCCCAAGG-3'
Protein context (NP_694972.3, residues 246-266): MIQLQQSFRG[Pro256Leu]EFAHSSIDVE

ClinVar aggregate classification (germline): Uncertain significance (1 of 4 stars; one submission).

Conditions:
Nephronophthisis. Also called: Juvenile Nephronophthisis. Identifiers: Orphanet 655, MedGen C0687120, MONDO:0019005, HP:0000090.

Allele frequency attached by ClinVar (database versions not stated): gnomAD exomes below 0.00001; ExAC 0.00001; gnomAD 0.00001; TOPMed 0.00001; ESP Exome Variant Server 0.00008.
gnomAD v4.1: 2 of 1,614,064 alleles (0.00012%); highest among the groups gnomAD compares: Non-Finnish European, 0.00017%; no homozygotes.

Submission:

Labcorp Genetics (formerly Invitae), Labcorp
Classification: Uncertain significance for Nephronophthisis. Last evaluated: 2019-12-04. Review status: criteria provided, single submitter. Criteria: Invitae Variant Classification Sherloc (09022015). Collection method: clinical testing. Allele origin: germline.
Comment: In summary, the available evidence is currently insufficient to determine the role of this variant in disease. Therefore, it has been classified as a Variant of Uncertain Significance. Algorithms developed to predict the effect of missense changes on protein structure and function are either unavailable or do not agree on the potential impact of this missense change (SIFT: "Tolerated"; PolyPhen-2: "Possibly Damaging"; Align-GVGD: "Class C0"). This variant has not been reported in the literature in individuals with NPHP3-related conditions. This variant is present in population databases (rs374171796, ExAC 0.001%). This sequence change replaces proline with leucine at codon 256 of the NPHP3 protein (p.Pro256Leu). The proline residue is moderately conserved and there is a moderate physicochemical difference between proline and leucine.